The following is an entry in ClinVar:

NC_000006.11:g.(43550879_43555008)_(43565603_43568724)del

Gene: POLH (DNA polymerase eta; plus strand). Cytogenetic location: 6p21.1.
Variant type: Deletion.
Identifiers: ClinVar variation 1878234 (VCV001878234.1).

ClinVar aggregate classification (germline): Likely pathogenic (1 of 4 stars; one submission).

Conditions:
Xeroderma pigmentosum (XP). Identifiers: Orphanet 910, MedGen C0043346, MONDO:0019600.

Submission:

Women's Health and Genetics/Laboratory Corporation of America, LabCorp
Classification: Likely pathogenic for Xeroderma pigmentosum. Last evaluated: 2022-12-07. Review status: criteria provided, single submitter. Criteria: LabCorp Variant Classification Summary - May 2015. Collection method: clinical testing. Allele origin: germline.
Comment: Variant summary: The variant identified by MLPA or other technology involves the deletion of exons 4-5 in the POLH gene. A presumed nomenclature of c.(272+1_273-1)_(660+1_661-1)del has been designated for the purposes of this classification. Although exact breakpoints of this deletion are not known, it is expected to result in a frameshift in the POLH gene, a known mechanism of disease. The variant was absent in 21668 control chromosomes (gnomAD Structural Variants dataset). To our knowledge, no occurrence of c.(272+1_273-1)_(660+1_661-1)del in individuals affected with Xeroderma Pigmentosum and no experimental evidence demonstrating its impact on protein function have been reported. Deletion of exon 5, which is also expected to cause a frameshift in the POLH gene, has been catagorized as disease causing in HGMD (accession: CG024995). No clinical diagnostic laboratories have submitted clinical-significance assessments for this variant to ClinVar after 2014. Based on the evidence outlined above, the variant was classified as likely pathogenic.